The following is an entry in ClinVar:

NM_000400.4(ERCC2):c.2190+51C>T

Gene: ERCC2 (ERCC excision repair 2, TFIIH core complex helicase subunit; minus strand). Cytogenetic location: 19q13.32.
Variant type: single nucleotide variant.
Coding change: c.2190+51C>T on transcript NM_000400.4 (MANE Select); 51 bases into the intron after coding-DNA position 2190, C replaced by T.
Molecular consequence: intron variant.
Genome position (GRCh38, 1-based): chr19:45,352,158, G>A on the plus strand (C>T on the coding strand, the complement: ERCC2 is on the minus strand). VCF-style: chr19-45352158-G-A. GRCh37 (hg19) VCF-style: chr19-45855416-G-A.
Other names: c.2067+51C>T (NM_001440357.1); c.2112+51C>T (NM_001440356.1); c.2118+51C>T (NM_001440355.1).
Identifiers: ClinVar variation 5039701 (VCV005039701.1).

ClinVar aggregate classification (germline): Likely benign (1 of 4 stars; one submission).

Submission:

CeGaT Center for Human Genetics Tuebingen
Classification: Likely benign. Last evaluated: 2026-08-01. Review status: criteria provided, single submitter. Criteria: CeGaT Center For Human Genetics Tuebingen Variant Classification Criteria Version 2. Collection method: clinical testing. Allele origin: germline. Affected: yes. Observed: 1 variant allele.
Comment: ERCC2: BP4, BP7